The following is an entry in ClinVar:

ClinVar aggregate classification (germline): Benign/Likely benign. Review status: criteria provided, multiple submitters, no conflicts (2 of 4 stars). 3 submissions from 3 submitters: Benign (1); Likely benign (2). Last evaluated 2026-04-01.

Conditions:
Pseudohypoaldosteronism type 2C (PHA2C). Also called: Pseudohypoaldosteronism Type IIC. Identifiers: Orphanet 757, Orphanet 88940, MedGen C1840391, MONDO:0013778, OMIM 614492.
Neuropathy, hereditary sensory and autonomic, type 2A (HSAN2A). Also called: MORVAN DISEASE; NEUROPATHY, CONGENITAL SENSORY; NEUROPATHY, HEREDITARY SENSORY RADICULAR, AUTOSOMAL RECESSIVE; NEUROPATHY, HEREDITARY SENSORY, TYPE IIA; NEUROPATHY, PROGRESSIVE SENSORY, OF CHILDREN; ACROOSTEOLYSIS, GIACCAI TYPE. Identifiers: Orphanet 970, MedGen C2752089, MONDO:0024309, OMIM 201300.

Allele frequency attached by ClinVar (database versions not stated): 1000 Genomes Project 30x 0.00016; 1000 Genomes Project 0.00020; gnomAD exomes 0.00032 and 0.00067; TOPMed 0.00043; gnomAD 0.00047 and 0.00048; ExAC 0.00063; ESP Exome Variant Server 0.00069.
gnomAD v4.1: 570 of 1,614,118 alleles (0.035%); highest among the groups gnomAD compares: Admixed American, 0.015%; 3 homozygotes.

Submissions (3):

CeGaT Center for Human Genetics Tuebingen
Classification: Likely benign. Last evaluated: 2026-04-01. Review status: criteria provided, single submitter. Criteria: CeGaT Center For Human Genetics Tuebingen Variant Classification Criteria Version 2. Collection method: clinical testing. Allele origin: germline. Affected: yes. Observed: 1 variant allele.
Comment: WNK1: BP4, BS1

Labcorp Genetics (formerly Invitae), Labcorp
Classification: Likely benign for Neuropathy, hereditary sensory and autonomic, type 2A; Pseudohypoaldosteronism type 2C. Last evaluated: 2019-09-05. Review status: criteria provided, single submitter. Criteria: Invitae Variant Classification Sherloc (09022015). Collection method: clinical testing. Allele origin: germline.

Illumina Laboratory Services, Illumina
Classification: Benign for Pseudohypoaldosteronism type 2C. Last evaluated: 2018-01-13. Review status: criteria provided, single submitter. Criteria: ICSL Variant Classification Criteria 13 December 2019. Collection method: clinical testing. Allele origin: germline.
Comment: This variant was observed in the ICSL laboratory as part of a predisposition screen in an ostensibly healthy population. It had not been previously curated by ICSL or reported in the Human Gene Mutation Database (HGMD: prior to June 1st, 2018), and was therefore a candidate for classification through an automated scoring system. Utilizing variant allele frequency, disease prevalence and penetrance estimates, and inheritance mode, an automated score was calculated to assess if this variant is too frequent to cause the disease. Based on the score and internal cut-off values, a variant classified as benign is not then subjected to further curation. The score for this variant resulted in a classification of benign for this disease.

NM_018979.4(WNK1):c.2895C>T (p.Asn965=)

Gene: WNK1 (WNK lysine deficient protein kinase 1; plus strand). Cytogenetic location: 12p13.33.
Variant type: single nucleotide variant.
Coding change: c.2895C>T on transcript NM_018979.4 (MANE Select); coding-DNA position 2895, C replaced by T.
Protein change: p.Asn965=; no amino-acid change (asparagine 965 retained).
Molecular consequence: synonymous variant. On other transcripts: intron variant (2).
Genome position (GRCh38, 1-based): chr12:880,783, C>T. VCF-style: chr12-880783-C-T. GRCh37 (hg19) VCF-style: chr12-989949-C-T.
Other names: c.3675C>T, p.Asn1225= (NM_001184985.2); c.3868-909C>T (NM_213655.5); c.2371-909C>T (NM_014823.3).
Identifiers: ClinVar variation 310802 (VCV000310802.17), dbSNP rs138446333, ClinGen allele CA6382606.